The following is an entry in ClinVar:

ClinVar aggregate classification (germline): Likely benign. Review status: criteria provided, multiple submitters, no conflicts (2 of 4 stars). 3 submissions from 3 submitters: Likely benign (3). Last evaluated 2026-01-14.

Conditions:
ADGRA3-related disorder. Also called: ADGRA3-related condition.

Submissions (3):

PreventionGenetics, part of Exact Sciences
Classification: Likely benign for ADGRA3-related condition. Last evaluated: 2026-01-14. Review status: criteria provided, single submitter. Criteria: ACMG Guidelines, 2015. Collection method: clinical testing. Allele origin: germline.
Comment: This variant is classified as likely benign based on ACMG/AMP sequence variant interpretation guidelines (Richards et al. 2015 PMID: 25741868, with internal and published modifications).

Labcorp Genetics (formerly Invitae), Labcorp
Classification: Likely benign. Last evaluated: 2025-12-24. Review status: criteria provided, single submitter. Criteria: Invitae Variant Classification Sherloc (09022015). Collection method: clinical testing. Allele origin: germline.

CeGaT Center for Human Genetics Tuebingen
Classification: Likely benign. Last evaluated: 2024-09-01. Review status: criteria provided, single submitter. Criteria: CeGaT Center For Human Genetics Tuebingen Variant Classification Criteria Version 2. Collection method: clinical testing. Allele origin: germline. Affected: yes. Observed: 2 variant alleles.
Comment: ADGRA3: BP3

NM_145290.4(ADGRA3):c.89GCG[3] (p.Gly33_Gly35del)

Gene: ADGRA3 (adhesion G protein-coupled receptor A3; minus strand). Cytogenetic location: 4p15.2.
Variant type: Microsatellite.
Coding change: c.89GCG[3] on transcript NM_145290.4 (MANE Select); three copies in a row of the 3-base unit GCG starting at c.89; the reference has six copies in a row; three copies, 9 bases deleted.
Protein change: p.Gly33_Gly35del.
Molecular consequence: inframe deletion.
Genome position (GRCh38, 1-based): chr4:22,515,679-22,515,687, CGCCGCCGC deleted on the plus strand (GCGGCGGCG on the coding strand, the reverse complement: ADGRA3 is on the minus strand); deleting any 9 consecutive bases within chr4:22,515,679-22,515,697 gives the same sequence; the position shown is the placement nearest the transcript's 3' end. VCF-style (leftmost placement, unchanged base first): chr4-22515678-GCGCCGCCGC-G. GRCh37 (hg19) VCF-style: chr4-22517301-GCGCCGCCGC-G.
Other names: c.98_106del9 (NM_145290.3).
Identifiers: ClinVar variation 1090410 (VCV001090410.32), dbSNP rs769005255, ClinGen allele CA438901009.